The following is an entry in ClinVar:

ClinVar aggregate classification (germline): Uncertain significance. Review status: criteria provided, multiple submitters, no conflicts (2 of 4 stars). 2 submissions from 2 submitters: Uncertain significance (2). Last evaluated 2026-01-21.

Conditions:
Retinoblastoma (RB1). Also called: RETINOBLASTOMA, SOMATIC. Identifiers: Orphanet 790, MedGen C0035335, MeSH D012175, MONDO:0008380, OMIM 180200, HP:0009919. Disease mechanism: loss of function. Inheritance: Both sporadic and heritable forms are tested..

Submissions (2):

GeneDx
Classification: Uncertain significance. Last evaluated: 2026-01-21. Review status: criteria provided, single submitter. Criteria: GeneDx Variant Classification Process June 2021. Collection method: clinical testing. Allele origin: germline.
Comment: Not observed at significant frequency in large population cohorts (gnomAD); In silico analysis supports a deleterious effect on splicing; Has not been previously published as pathogenic or benign to our knowledge

Genetic Diagnostic Laboratory, University of Pennsylvania School of Medicine
Classification: Uncertain significance for Retinoblastoma. Last evaluated: 2024-05-20. Review status: criteria provided, single submitter. Criteria: ACMG Guidelines, 2015. Collection method: clinical testing. Allele origin: germline. Affected: yes. Observed: 1 variant allele.
Comment: Case and Pedigree Information: BILATERAL CASES:0, UNILATERAL CASES:1, TOTAL CASES:1, PEDIGREES:1. ACMG Codes Applied:PM2

NM_000321.3(RB1):c.2325+3_2325+6delinsG

Gene: RB1 (RB transcriptional corepressor 1; plus strand). Cytogenetic location: 13q14.2.
Variant type: Indel.
Coding change: c.2325+3_2325+6delinsG on transcript NM_000321.3 (MANE Select); bases 3 to 6 of the intron after coding-DNA position 2325, AGGT replaced by G.
Molecular consequence: intron variant.
Genome position (GRCh38, 1-based): chr13:48,465,114-48,465,117, AGGT replaced by G. VCF-style: chr13-48465114-AGGT-G. GRCh37 (hg19) VCF-style: chr13-49039250-AGGT-G.
Other names: c.2325+3_2325+6delinsG (NM_001407165.1).
Identifiers: ClinVar variation 3237086 (VCV003237086.2), dbSNP rs2542375438.